The following is an entry in ClinVar:

ClinVar aggregate classification (germline): Uncertain significance (1 of 4 stars; one submission).

Allele frequency attached by ClinVar (database versions not stated): ExAC 0.00002.
gnomAD v4.1: 16 of 1,613,974 alleles (0.00099%); highest among the groups gnomAD compares: Admixed American, 0.0033%; no homozygotes.

Submission:

CeGaT Center for Human Genetics Tuebingen
Classification: Uncertain significance. Last evaluated: 2023-11-01. Review status: criteria provided, single submitter. Criteria: CeGaT Center For Human Genetics Tuebingen Variant Classification Criteria Version 2. Collection method: clinical testing. Allele origin: germline. Affected: yes. Observed: 1 variant allele.
Comment: VWF: PM2, BP4

NM_000552.5(VWF):c.6403G>A (p.Asp2135Asn)

Gene: VWF (von Willebrand factor; minus strand). Cytogenetic location: 12p13.31.
Variant type: single nucleotide variant.
Coding change: c.6403G>A on transcript NM_000552.5 (MANE Select); coding-DNA position 6403, G replaced by A.
Protein change: p.Asp2135Asn; replaces aspartic acid 2135 with asparagine.
Molecular consequence: missense variant.
Genome position (GRCh38, 1-based): chr12:5,994,057, C>T on the plus strand (G>A on the coding strand, the complement: VWF is on the minus strand). VCF-style: chr12-5994057-C-T. GRCh37 (hg19) VCF-style: chr12-6103223-C-T.
Other names: short protein forms D2135N.
Identifiers: ClinVar variation 2672488 (VCV002672488.23), dbSNP rs765176386, ClinGen allele CA6401995.